The following is an entry in ClinVar:

ClinVar aggregate classification (germline): Uncertain significance (1 of 4 stars; one submission).

gnomAD v4.1: 1 of 1,614,238 alleles (0.000062%); highest among the groups gnomAD compares: Non-Finnish European, 0.000085%; no homozygotes.

Submission:

Labcorp Genetics (formerly Invitae), Labcorp
Classification: Uncertain significance. Last evaluated: 2021-08-24. Review status: criteria provided, single submitter. Criteria: Invitae Variant Classification Sherloc (09022015). Collection method: clinical testing. Allele origin: germline.
Comment: This variant is not present in population databases (ExAC no frequency). This sequence change replaces glutamine with proline at codon 2144 of the NBAS protein (p.Gln2144Pro). The glutamine residue is highly conserved and there is a moderate physicochemical difference between glutamine and proline. In summary, the available evidence is currently insufficient to determine the role of this variant in disease. Therefore, it has been classified as a Variant of Uncertain Significance. Algorithms developed to predict the effect of missense changes on protein structure and function (SIFT, PolyPhen-2, Align-GVGD) all suggest that this variant is likely to be disruptive. This variant has not been reported in the literature in individuals affected with NBAS-related conditions.

NM_015909.4(NBAS):c.6431A>C (p.Gln2144Pro)

Gene: NBAS (NBAS subunit of NRZ tethering complex; minus strand). Cytogenetic location: 2p24.3.
Variant type: single nucleotide variant.
Coding change: c.6431A>C on transcript NM_015909.4 (MANE Select); coding-DNA position 6431, A replaced by C.
Protein change: p.Gln2144Pro; replaces glutamine 2144 with proline.
Molecular consequence: missense variant.
Genome position (GRCh38, 1-based): chr2:15,218,774, T>G on the plus strand (A>C on the coding strand, the complement: NBAS is on the minus strand). VCF-style: chr2-15218774-T-G. GRCh37 (hg19) VCF-style: chr2-15358898-T-G.
Other names: short protein forms Q2144P.
Identifiers: ClinVar variation 1383134 (VCV001383134.6), dbSNP rs933481932, ClinGen allele CA42584265.